The following is an entry in ClinVar:

NM_177438.3(DICER1):c.1832T>C (p.Phe611Ser)

Gene: DICER1 (dicer 1, ribonuclease III; minus strand). Cytogenetic location: 14q32.13.
Variant type: single nucleotide variant.
Coding change: c.1832T>C on transcript NM_177438.3 (MANE Select); coding-DNA position 1832, T replaced by C.
Protein change: p.Phe611Ser; replaces phenylalanine 611 with serine.
Molecular consequence: missense variant. On other transcripts: non-coding transcript variant (6).
Genome position (GRCh38, 1-based): chr14:95,115,742, A>G on the plus strand (T>C on the coding strand, the complement: DICER1 is on the minus strand). VCF-style: chr14-95115742-A-G. GRCh37 (hg19) VCF-style: chr14-95582079-A-G.
Other names: c.1832T>C, p.Phe611Ser (NM_001395678.1, NM_001395679.1, NM_001395680.1 and 13 more transcripts); c.1550T>C, p.Phe517Ser (NM_001395686.1); c.1427T>C, p.Phe476Ser (NM_001395687.1, NM_001395688.1, NM_001395689.1 and 3 more transcripts); c.1265T>C, p.Phe422Ser (NM_001395691.1); c.149T>C, p.Phe50Ser (NM_001395697.1); short protein forms F422S, F476S, F611S, F517S, F50S.
Identifiers: ClinVar variation 2692692 (VCV002692692.3), dbSNP rs1595406385, ClinGen allele CA390884032.

ClinVar aggregate classification (germline): Uncertain significance (1 of 4 stars; one submission).

Conditions:
DICER1-related tumor predisposition. Also called: DICER1-related pleuropulmonary blastoma cancer predisposition syndrome; DICER1 syndrome. Identifiers: Orphanet 284343, MedGen C3839822, MONDO:0100216.

Allele frequency attached by ClinVar (database versions not stated): gnomAD exomes below 0.00001.
gnomAD v4.1: 1 of 1,614,180 alleles (0.000062%); highest among the groups gnomAD compares: Non-Finnish European, 0.000085%; no homozygotes.

Submission:

Labcorp Genetics (formerly Invitae), Labcorp
Classification: Uncertain significance for DICER1-related tumor predisposition. Last evaluated: 2026-01-01. Review status: criteria provided, single submitter. Criteria: Invitae Variant Classification Sherloc (09022015). Collection method: clinical testing. Allele origin: germline.
Comment: This sequence change replaces phenylalanine, which is neutral and non-polar, with serine, which is neutral and polar, at codon 611 of the DICER1 protein (p.Phe611Ser). This variant is not present in population databases (gnomAD no frequency). This variant has not been reported in the literature in individuals affected with DICER1-related conditions. ClinVar contains an entry for this variant (Variation ID: 2692692). Invitae Evidence Modeling of protein sequence and biophysical properties (such as structural, functional, and spatial information, amino acid conservation, physicochemical variation, residue mobility, and thermodynamic stability) indicates that this missense variant is not expected to disrupt DICER1 protein function with a negative predictive value of 95%. In summary, the available evidence is currently insufficient to determine the role of this variant in disease. Therefore, it has been classified as a Variant of Uncertain Significance.